The following is an entry in ClinVar:

NM_006231.4(POLE):c.2308G>C (p.Gly770Arg)

Gene: POLE (DNA polymerase epsilon, catalytic subunit; minus strand). Cytogenetic location: 12q24.33.
Variant type: single nucleotide variant.
Coding change: c.2308G>C on transcript NM_006231.4 (MANE Select); coding-DNA position 2308, G replaced by C.
Protein change: p.Gly770Arg; replaces glycine 770 with arginine.
Molecular consequence: missense variant.
Genome position (GRCh38, 1-based): chr12:132,667,514, C>G on the plus strand (G>C on the coding strand, the complement: POLE is on the minus strand). VCF-style: chr12-132667514-C-G. GRCh37 (hg19) VCF-style: chr12-133244100-C-G.
Other names: c.2308G>C (NM_006231.2); short protein forms G770R.
Identifiers: ClinVar variation 581632 (VCV000581632.10), dbSNP rs1565964535, ClinGen allele CA387352086.
Genomic context (GRCh38, chr12:132,667,514, plus strand): 5'-CTGAAACTGCCCTCACAGAGGCCAAAGCTTGCAGCCCCTCAGAGCTCACCTTGTGGAGCC[C>G]TTTGAACTCGTAACGCCTGTCCCGGAAGGCACGCACGGTGTCCACGTAGAAGGAGTTTTC-3'
Protein context (NP_006222.2, residues 760-780): AFRDRRYEFK[Gly770Arg]LHKVWKKKLS

ClinVar aggregate classification (germline): Uncertain significance. Review status: criteria provided, multiple submitters, no conflicts (2 of 4 stars). 2 submissions from 2 submitters: Uncertain significance (2). Last evaluated 2023-07-11.

Conditions:
Hereditary cancer-predisposing syndrome. Also called: Neoplastic Syndromes, Hereditary; Hereditary Cancer Syndrome; Tumor predisposition; Hereditary neoplastic syndrome. Identifiers: Orphanet 140162, MedGen C0027672, MeSH D009386, MONDO:0015356.

Submissions (2):

Ambry Genetics
Classification: Uncertain significance for Hereditary cancer-predisposing syndrome. Last evaluated: 2023-07-11. Review status: criteria provided, single submitter. Criteria: Ambry Variant Classification Scheme 2023. Collection method: clinical testing. Allele origin: germline.
Comment: The p.G770R variant (also known as c.2308G>C), located in coding exon 20 of the POLE gene, results from a G to C substitution at nucleotide position 2308. The glycine at codon 770 is replaced by arginine, an amino acid with dissimilar properties. This amino acid position is conserved. In addition, the in silico prediction for this alteration is inconclusive. Since supporting evidence is limited at this time, the clinical significance of this alteration remains unclear.

Labcorp Genetics (formerly Invitae), Labcorp
Classification: Uncertain significance. Last evaluated: 2020-08-06. Review status: criteria provided, single submitter. Criteria: Invitae Variant Classification Sherloc (09022015). Collection method: clinical testing. Allele origin: germline.
Comment: In summary, the available evidence is currently insufficient to determine the role of this variant in disease. Therefore, it has been classified as a Variant of Uncertain Significance. Algorithms developed to predict the effect of missense changes on protein structure and function do not agree on the potential impact of this missense change (SIFT: "Deleterious"; PolyPhen-2: "Benign"; Align-GVGD: "Class C0"). This variant has not been reported in the literature in individuals with POLE-related disease. This variant is not present in population databases (ExAC no frequency). This sequence change replaces glycine with arginine at codon 770 of the POLE protein (p.Gly770Arg). The glycine residue is highly conserved and there is a moderate physicochemical difference between glycine and arginine.